The following is an entry in ClinVar:

NM_024753.5(TTC21B):c.1561C>T (p.His521Tyr)

Gene: TTC21B (tetratricopeptide repeat domain 21B; minus strand). Cytogenetic location: 2q24.3.
Variant type: single nucleotide variant.
Coding change: c.1561C>T on transcript NM_024753.5 (MANE Select); coding-DNA position 1561, C replaced by T.
Protein change: p.His521Tyr; replaces histidine 521 with tyrosine.
Molecular consequence: missense variant.
Genome position (GRCh38, 1-based): chr2:165,919,389, G>A on the plus strand (C>T on the coding strand, the complement: TTC21B is on the minus strand). VCF-style: chr2-165919389-G-A. GRCh37 (hg19) VCF-style: chr2-166775899-G-A.
Other names: c.1561C>T (NM_024753.4); short protein forms H521Y.
Identifiers: ClinVar variation 2184131 (VCV002184131.5), dbSNP rs1407814183, ClinGen allele CA349061107.
Genomic context (GRCh38, chr2:165,919,389, plus strand): 5'-TTTCTTGAGACAAGTAAACCTGAGCTAGCAGCAGATGAGCATCAGCATAAGAGGGATTGT[G>A]TTCTAAGCAGTGCTGAAGGTTATTGAAAGCTGCTTCAATATCACCTAATAAGAAAAACAA-3'
Protein context (NP_079029.3, residues 511-531): AFNNLQHCLE[His521Tyr]NPSYADAHLL

ClinVar aggregate classification (germline): Uncertain significance. Review status: criteria provided, multiple submitters, no conflicts (2 of 4 stars). 2 submissions from 2 submitters: Uncertain significance (2). Last evaluated 2025-12-09.

Conditions:
TTC21B-related disorder. Also called: TTC21B-related condition; TTC21B-related disorders.
Jeune thoracic dystrophy. Also called: Short-rib thoracic dysplasia; Jeune syndrome; Infantile thoracic dystrophy; Thoracic pelvic phalangeal dystrophy; Jeune's syndrome; Chondroectodermal dysplasia-like syndrome. Identifiers: Orphanet 474, MedGen C0265275, MONDO:0018770.
Nephronophthisis. Also called: Juvenile Nephronophthisis. Identifiers: Orphanet 655, MedGen C0687120, MONDO:0019005, HP:0000090.

Allele frequency attached by ClinVar (database versions not stated): gnomAD 0.00001; gnomAD exomes 0.00001.
gnomAD v4.1: 8 of 1,613,958 alleles (0.0005%); highest among the groups gnomAD compares: Non-Finnish European, 0.00068%; no homozygotes.

Submissions (2):

PreventionGenetics, part of Exact Sciences
Classification: Uncertain significance for TTC21B-related condition. Last evaluated: 2025-12-09. Review status: criteria provided, single submitter. Criteria: ACMG Guidelines, 2015. Collection method: clinical testing. Allele origin: germline.
Comment: The TTC21B c.1561C>T variant is predicted to result in the amino acid substitution p.His521Tyr. To our knowledge, this variant has not been reported in the literature. This variant is reported in 0.00088% of alleles in individuals of European (non-Finnish) descent in gnomAD. At this time, the clinical significance of this variant is uncertain due to the absence of conclusive functional and genetic evidence.

Labcorp Genetics (formerly Invitae), Labcorp
Classification: Uncertain significance for Jeune thoracic dystrophy; Nephronophthisis. Last evaluated: 2022-09-27. Review status: criteria provided, single submitter. Criteria: Invitae Variant Classification Sherloc (09022015). Collection method: clinical testing. Allele origin: germline.
Comment: Advanced modeling of protein sequence and biophysical properties (such as structural, functional, and spatial information, amino acid conservation, physicochemical variation, residue mobility, and thermodynamic stability) performed at Invitae indicates that this missense variant is not expected to disrupt TTC21B protein function. This variant has not been reported in the literature in individuals affected with TTC21B-related conditions. This variant is present in population databases (no rsID available, gnomAD 0.0009%). This sequence change replaces histidine, which is basic and polar, with tyrosine, which is neutral and polar, at codon 521 of the TTC21B protein (p.His521Tyr). In summary, the available evidence is currently insufficient to determine the role of this variant in disease. Therefore, it has been classified as a Variant of Uncertain Significance.